The following is an entry in ClinVar:

ClinVar aggregate classification (germline): Uncertain significance (1 of 4 stars; one submission).

Allele frequency attached by ClinVar (database versions not stated): gnomAD exomes below 0.00001; ExAC 0.00001.
gnomAD v4.1: 4 of 1,613,696 alleles (0.00025%); highest among the groups gnomAD compares: Middle Eastern, 0.033%; no homozygotes.

Submission:

GeneDx
Classification: Uncertain significance. Last evaluated: 2019-11-01. Review status: criteria provided, single submitter. Criteria: GeneDx Variant Classification Process June 2021. Collection method: clinical testing. Allele origin: germline. Affected: yes.
Comment: Not observed at a significant frequency in large population cohorts (Lek et al., 2016); Missense variant in a gene in which most reported pathogenic variants are truncating/loss-of-function; Has not been previously published as pathogenic or benign to our knowledge

NM_001267550.2(TTN):c.12100G>A (p.Asp4034Asn)

Gene: TTN (titin; minus strand). Cytogenetic location: 2q31.2.
Variant type: single nucleotide variant.
Coding change: c.12100G>A on transcript NM_001267550.2 (MANE Select); coding-DNA position 12100, G replaced by A.
Protein change: p.Asp4034Asn; replaces aspartic acid 4034 with asparagine.
Molecular consequence: missense variant. On other transcripts: intron variant (1).
Genome position (GRCh38, 1-based): chr2:178,741,133, C>T on the plus strand (G>A on the coding strand, the complement: TTN is on the minus strand). VCF-style: chr2-178741133-C-T. GRCh37 (hg19) VCF-style: chr2-179605860-C-T.
Other names: c.11149G>A, p.Asp3717Asn (NM_001256850.1); c.11011G>A, p.Asp3671Asn (NM_003319.4); c.11386G>A, p.Asp3796Asn (NM_133432.3); c.11587G>A, p.Asp3863Asn (NM_133437.4); c.10361-2773G>A (NM_133378.4); short protein forms D3671N, D3717N, D3796N, D3863N, D4034N.
Identifiers: ClinVar variation 1309850 (VCV001309850.2), dbSNP rs769086114, ClinGen allele CA2002756.
Genomic context (GRCh38, chr2:178,741,133, plus strand): 5'-GTGGAAAATCCTCAGGAGCCTCTGGTGTGGACTTTGCTTTGCAGGGGGTATCAGTCATGT[C>T]TGTGTCTTCCAGAAGCACAAGCAGCTCTGCTGCACAGGTGGACTCACCCAACATATTCTC-3'
Protein context (NP_001254479.2, residues 4024-4044): AELLVLLEDT[Asp4034Asn]MTDTPCKAKS